The following is an entry in ClinVar:

NM_000528.4(MAN2B1):c.1682C>G (p.Pro561Arg)

Gene: MAN2B1 (mannosidase alpha class 2B member 1; minus strand). Cytogenetic location: 19p13.13.
Variant type: single nucleotide variant.
Coding change: c.1682C>G on transcript NM_000528.4 (MANE Select); coding-DNA position 1682, C replaced by G.
Protein change: p.Pro561Arg; replaces proline 561 with arginine.
Molecular consequence: missense variant.
Genome position (GRCh38, 1-based): chr19:12,655,842, G>C on the plus strand (C>G on the coding strand, the complement: MAN2B1 is on the minus strand). VCF-style: chr19-12655842-G-C. GRCh37 (hg19) VCF-style: chr19-12766656-G-C.
Other names: c.1679C>G, p.Pro560Arg (NM_001173498.2); short protein forms P561R, P560R.
Identifiers: ClinVar variation 1949926 (VCV001949926.2), dbSNP rs372845403, ClinGen allele CA9226347.

ClinVar aggregate classification (germline): Uncertain significance (1 of 4 stars; one submission).

Conditions:
Deficiency of alpha-mannosidase (MANSA). Also called: LYSOSOMAL ALPHA-D-MANNOSIDASE DEFICIENCY; Alpha-Mannosidosis; Mannosidosis, alpha-, types I and II. Identifiers: Orphanet 61, MedGen C0024748, MONDO:0009561, OMIM 248500.

Allele frequency attached by ClinVar (database versions not stated): ESP Exome Variant Server 0.00008.
gnomAD v4.1: 24 of 1,613,882 alleles (0.0015%); highest among the groups gnomAD compares: Non-Finnish European, 0.0019%; no homozygotes.

Submission:

Labcorp Genetics (formerly Invitae), Labcorp
Classification: Uncertain significance for Deficiency of alpha-mannosidase. Last evaluated: 2022-08-19. Review status: criteria provided, single submitter. Criteria: Invitae Variant Classification Sherloc (09022015). Collection method: clinical testing. Allele origin: germline.
Comment: This sequence change replaces proline, which is neutral and non-polar, with arginine, which is basic and polar, at codon 561 of the MAN2B1 protein (p.Pro561Arg). This variant is present in population databases (rs372845403, gnomAD 0.002%). This variant has not been reported in the literature in individuals affected with MAN2B1-related conditions. Algorithms developed to predict the effect of missense changes on protein structure and function output the following: SIFT: "Tolerated"; PolyPhen-2: "Benign"; Align-GVGD: "Class C0". The arginine amino acid residue is found in multiple mammalian species, which suggests that this missense change does not adversely affect protein function. In summary, the available evidence is currently insufficient to determine the role of this variant in disease. Therefore, it has been classified as a Variant of Uncertain Significance.